The following is an entry in ClinVar:

ClinVar aggregate classification (germline): Conflicting classifications of pathogenicity. Review status: criteria provided, conflicting classifications (1 of 4 stars). 4 submissions from 4 submitters: Uncertain significance (3); Likely benign (1). Last evaluated 2025-11-18.

Conditions:
Cardiovascular phenotype. Identifiers: MedGen CN230736.
Brugada syndrome. Also called: Sudden Unexplained Nocturnal Death Syndrome (SUNDS); Sudden unexpected nocturnal death syndrome; Sudden Unexplained Death Syndrome; Sudden unexplained nocturnal death syndrome. Identifiers: Orphanet 130, MedGen C1142166, MONDO:0015263.
Episodic pain syndrome, familial, 2 (FEPS2). Identifiers: Orphanet 306577, MedGen C3809893, MONDO:0014246, OMIM 615551.

Allele frequency attached by ClinVar (database versions not stated): TOPMed 0.00002; ExAC 0.00003; gnomAD 0.00004.
gnomAD v4.1: 166 of 1,614,010 alleles (0.01%); highest among the groups gnomAD compares: Middle Eastern, 0.016%; no homozygotes.

Submissions (4):

Labcorp Genetics (formerly Invitae), Labcorp
Classification: Uncertain significance for Brugada syndrome. Last evaluated: 2025-11-18. Review status: criteria provided, single submitter. Criteria: Invitae Variant Classification Sherloc (09022015). Collection method: clinical testing. Allele origin: germline.
Comment: This sequence change replaces threonine, which is neutral and polar, with methionine, which is neutral and non-polar, at codon 1570 of the SCN10A protein (p.Thr1570Met). This variant is present in population databases (rs772484960, gnomAD 0.01%). This variant has not been reported in the literature in individuals affected with SCN10A-related conditions. ClinVar contains an entry for this variant (Variation ID: 463259). Invitae Evidence Modeling of protein sequence and biophysical properties (such as structural, functional, and spatial information, amino acid conservation, physicochemical variation, residue mobility, and thermodynamic stability) indicates that this missense variant is expected to disrupt SCN10A protein function with a positive predictive value of 80%. Algorithms developed to predict the effect of sequence changes on RNA splicing suggest that this variant may disrupt the consensus splice site. In summary, the available evidence is currently insufficient to determine the role of this variant in disease. Therefore, it has been classified as a Variant of Uncertain Significance.

GeneDx
Classification: Uncertain significance. Last evaluated: 2024-07-16. Review status: criteria provided, single submitter. Criteria: GeneDx Variant Classification Process June 2021. Collection method: clinical testing. Allele origin: germline. Affected: yes.
Comment: Has not been previously published as pathogenic or benign to our knowledge; In silico analysis supports that this missense variant has a deleterious effect on protein structure/function

Fulgent Genetics
Classification: Uncertain significance for Episodic pain syndrome, familial, 2. Last evaluated: 2021-09-16. Review status: criteria provided, single submitter. Criteria: ACMG Guidelines, 2015. Collection method: clinical testing. Allele origin: unknown.

Ambry Genetics
Classification: Likely benign for Cardiovascular phenotype. Last evaluated: 2019-09-20. Review status: criteria provided, single submitter. Criteria: Ambry Variant Classification Scheme 2023. Collection method: clinical testing. Allele origin: germline.

NM_006514.4(SCN10A):c.4709C>T (p.Thr1570Met)

Gene: SCN10A (sodium voltage-gated channel alpha subunit 10; minus strand). Cytogenetic location: 3p22.2.
Variant type: single nucleotide variant.
Coding change: c.4709C>T on transcript NM_006514.4 (MANE Select); coding-DNA position 4709, C replaced by T.
Protein change: p.Thr1570Met; replaces threonine 1570 with methionine.
Molecular consequence: missense variant.
Genome position (GRCh38, 1-based): chr3:38,698,511, G>A on the plus strand (C>T on the coding strand, the complement: SCN10A is on the minus strand). VCF-style: chr3-38698511-G-A. GRCh37 (hg19) VCF-style: chr3-38740002-G-A.
Other names: c.4706C>T, p.Thr1569Met (NM_001293306.2); c.4415C>T, p.Thr1472Met (NM_001293307.2); short protein forms T1570M, T1472M, T1569M.
Identifiers: ClinVar variation 463259 (VCV000463259.15), dbSNP rs772484960, ClinGen allele CA2319831.